The following is an entry in ClinVar:

NM_006078.5(CACNG2):c.306G>A (p.Arg102=)

Gene: CACNG2 (calcium voltage-gated channel auxiliary subunit gamma 2; minus strand). Cytogenetic location: 22q12.3.
Variant type: single nucleotide variant.
Coding change: c.306G>A on transcript NM_006078.5 (MANE Select); coding-DNA position 306, G replaced by A.
Protein change: p.Arg102=; no amino-acid change (arginine 102 retained).
Molecular consequence: synonymous variant. On other transcripts: non-coding transcript variant (1).
Genome position (GRCh38, 1-based): chr22:36,566,483, C>T on the plus strand (G>A on the coding strand, the complement: CACNG2 is on the minus strand). VCF-style: chr22-36566483-C-T. GRCh37 (hg19) VCF-style: chr22-36962530-C-T.
Other names: c.237G>A, p.Arg79= (NM_001379051.1).
Identifiers: ClinVar variation 2653109 (VCV002653109.24), dbSNP rs752545450, ClinGen allele CA10212201.

ClinVar aggregate classification (germline): Likely benign (1 of 4 stars; one submission).

Allele frequency attached by ClinVar (database versions not stated): ExAC 0.00006.
gnomAD v4.1: 101 of 1,613,958 alleles (0.0063%); highest among the groups gnomAD compares: Middle Eastern, 0.016%; no homozygotes.

Submission:

CeGaT Center for Human Genetics Tuebingen
Classification: Likely benign. Last evaluated: 2022-08-01. Review status: criteria provided, single submitter. Criteria: CeGaT Center For Human Genetics Tuebingen Variant Classification Criteria Version 2. Collection method: clinical testing. Allele origin: germline. Affected: yes. Observed: 1 variant allele.
Comment: CACNG2: BP4, BP7